The following is an entry in ClinVar:

NM_004655.4(AXIN2):c.2247G>A (p.Glu749=)

Gene: AXIN2 (axin 2; minus strand). Cytogenetic location: 17q24.1.
Variant type: single nucleotide variant.
Coding change: c.2247G>A on transcript NM_004655.4 (MANE Select); coding-DNA position 2247, G replaced by A.
Protein change: p.Glu749=; no amino-acid change (glutamic acid 749 retained).
Molecular consequence: synonymous variant.
Genome position (GRCh38, 1-based): chr17:65,534,070, C>T on the plus strand (G>A on the coding strand, the complement: AXIN2 is on the minus strand). VCF-style: chr17-65534070-C-T. GRCh37 (hg19) VCF-style: chr17-63530188-C-T.
Other names: c.2052G>A, p.Glu684= (NM_001363813.1).
Identifiers: ClinVar variation 1788360 (VCV001788360.8), dbSNP rs2509390315, ClinGen allele CA501476015.

ClinVar aggregate classification (germline): Benign/Likely benign. Review status: criteria provided, multiple submitters, no conflicts (2 of 4 stars). 3 submissions from 3 submitters: Benign (1); Likely benign (2). Last evaluated 2024-07-10.

Conditions:
Hereditary cancer-predisposing syndrome. Also called: Neoplastic Syndromes, Hereditary; Tumor predisposition; Hereditary Cancer Syndrome; Hereditary neoplastic syndrome. Identifiers: Orphanet 140162, MedGen C0027672, MeSH D009386, MONDO:0015356.
Oligodontia-cancer predisposition syndrome. Also called: TOOTH AGENESIS-COLORECTAL CANCER SYNDROME. Identifiers: Orphanet 300576, MedGen C1837750, MONDO:0012075, OMIM 608615. Disease mechanism: loss of function.

Submissions (3):

Myriad Genetics, Inc.
Classification: Benign for Oligodontia-cancer predisposition syndrome. Last evaluated: 2024-07-10. Review status: criteria provided, single submitter. Criteria: Myriad Autosomal Dominant, Autosomal Recessive and X-Linked Classification Criteria (2023). Collection method: clinical testing. Allele origin: unknown.
Comment: This variant is considered benign. This variant is a silent/synonymous amino acid change and it is not expected to impact splicing.

Labcorp Genetics (formerly Invitae), Labcorp
Classification: Likely benign for Oligodontia-cancer predisposition syndrome. Last evaluated: 2022-04-01. Review status: criteria provided, single submitter. Criteria: Invitae Variant Classification Sherloc (09022015). Collection method: clinical testing. Allele origin: germline.

Ambry Genetics
Classification: Likely benign for Hereditary cancer-predisposing syndrome. Last evaluated: 2021-06-03. Review status: criteria provided, single submitter. Criteria: Ambry Variant Classification Scheme 2023. Collection method: clinical testing. Allele origin: germline.